The following is an entry in ClinVar:

ClinVar aggregate classification (germline): Conflicting classifications of pathogenicity. Review status: criteria provided, conflicting classifications (1 of 4 stars). 6 submissions from 6 submitters: Uncertain significance (4); Likely benign (1). 1 of the submissions does not count toward it. Last evaluated 2026-01-12.

Conditions:
ITPR1-related disorder. Also called: ITPR1-related condition.
Spinocerebellar ataxia type 29 (SCA29). Also called: Spinocerebellar ataxia 29, congenital nonprogressive; CEREBELLAR ATAXIA, CONGENITAL NONPROGRESSIVE, AUTOSOMAL DOMINANT. Identifiers: Orphanet 208513, MedGen C1861732, MONDO:0007298, OMIM 117360.
Autosomal dominant cerebellar ataxia. Also called: Spinocerebellar Ataxia, Dominant. Identifiers: Orphanet 99, MedGen C4087347, MONDO:0020380.

Allele frequency attached by ClinVar (database versions not stated): TOPMed 0.00005; ExAC 0.00006; gnomAD exomes 0.00006; ESP Exome Variant Server 0.00016; gnomAD 0.00032.
gnomAD v4.1: 117 of 1,612,044 alleles (0.0073%); highest among the groups gnomAD compares: Non-Finnish European, 0.0095%; no homozygotes.

Submissions (6):

Labcorp Genetics (formerly Invitae), Labcorp
Classification: Uncertain significance. Last evaluated: 2026-01-12. Review status: criteria provided, single submitter. Criteria: Invitae Variant Classification Sherloc (09022015). Collection method: clinical testing. Allele origin: germline.
Comment: This sequence change replaces alanine, which is neutral and non-polar, with serine, which is neutral and polar, at codon 2054 of the ITPR1 protein (p.Ala2054Ser). This variant is present in population databases (rs373973399, gnomAD 0.02%). This missense change has been observed in individual(s) with clincial features of hereditary spastic paraplegia (PMID: 30778698). This variant is also known as c.6304G>T (p.Ala2102Ser). ClinVar contains an entry for this variant (Variation ID: 503524). Invitae Evidence Modeling of protein sequence and biophysical properties (such as structural, functional, and spatial information, amino acid conservation, physicochemical variation, residue mobility, and thermodynamic stability) indicates that this missense variant is expected to disrupt ITPR1 protein function with a positive predictive value of 80%. In summary, the available evidence is currently insufficient to determine the role of this variant in disease. Therefore, it has been classified as a Variant of Uncertain Significance.

CeGaT Center for Human Genetics Tuebingen
Classification: Uncertain significance. Last evaluated: 2025-03-01. Review status: criteria provided, single submitter. Criteria: CeGaT Center For Human Genetics Tuebingen Variant Classification Criteria Version 2. Collection method: clinical testing. Allele origin: germline. Affected: yes. Observed: 3 variant alleles.
Comment: ITPR1: PP2, PP3

GeneDx
Classification: Uncertain significance. Last evaluated: 2022-01-13. Review status: criteria provided, single submitter. Criteria: GeneDx Variant Classification Process June 2021. Collection method: clinical testing. Allele origin: germline. Affected: yes.
Comment: Reported previously in a cohort of patients with a diagnosis of large-vessel ischemic stroke; however, segregation information was not provided (Janicki et al., 2017); In silico analysis supports that this missense variant has a deleterious effect on protein structure/function; This variant is associated with the following publications: (PMID: 30778698, 29232918)

Schule lab, Hertie Institute for Clinical Brain Research
Classification: Likely benign for Spinocerebellar ataxia type 29. Last evaluated: 2018-02-09. Review status: criteria provided, single submitter. Criteria: Synofzik et al. (Eur J Hum Genet. 2018). Collection method: research. Allele origin: inherited. Affected: yes. Observed: 2 variant alleles.

Illumina Laboratory Services, Illumina
Classification: Uncertain significance for Spinocerebellar Ataxia, Dominant. Last evaluated: 2018-01-12. Review status: criteria provided, single submitter. Criteria: ICSL Variant Classification Criteria 13 December 2019. Collection method: clinical testing. Allele origin: germline.

PreventionGenetics, part of Exact Sciences
Classification: Uncertain significance for ITPR1-related condition. Last evaluated: 2024-07-02. Review status: no assertion criteria provided. Collection method: clinical testing. Allele origin: germline. Not counted in ClinVar's aggregate classification.
Comment: The ITPR1 c.6160G>T variant is predicted to result in the amino acid substitution p.Ala2054Ser. This variant has been reported along with second ITPR1 variant in an individual with spastic paraplegia (reported as c.6304G>T (p.Ala2102Ser), Elert-Dobkowska et al. 2019. PubMed ID: 30778698). This variant is reported in 0.017% of alleles in individuals of European (Non-Finnish) descent in gnomAD. At this time, the clinical significance of this variant is uncertain due to the absence of conclusive functional and genetic evidence.

Literature cited by the submitters: PubMed 30778698 (cited by Labcorp Genetics (formerly Invitae), Labcorp).

NM_001378452.1(ITPR1):c.6349G>T (p.Ala2117Ser)

Gene: ITPR1 (inositol 1,4,5-trisphosphate receptor type 1; plus strand). Cytogenetic location: 3p26.1.
Variant type: single nucleotide variant.
Coding change: c.6349G>T on transcript NM_001378452.1 (MANE Select); coding-DNA position 6349, G replaced by T.
Protein change: p.Ala2117Ser; replaces alanine 2117 with serine.
Molecular consequence: missense variant.
Genome position (GRCh38, 1-based): chr3:4,779,607, G>T. VCF-style: chr3-4779607-G-T. GRCh37 (hg19) VCF-style: chr3-4821291-G-T.
Other names: c.6205G>T, p.Ala2069Ser (NM_001099952.4); c.6304G>T, p.Ala2102Ser (NM_001168272.2); c.6160G>T, p.Ala2054Ser (NM_002222.7); short protein forms A2102S, A2054S, A2069S, A2117S.
Identifiers: ClinVar variation 503524 (VCV000503524.55), dbSNP rs373973399, ClinGen allele CA2232562.